The following is an entry in ClinVar:

ClinVar aggregate classification (germline): Uncertain significance (1 of 4 stars; one submission).

gnomAD v4.1: 1 of 1,607,750 alleles (0.000062%); no homozygotes.

Submission:

CeGaT Center for Human Genetics Tuebingen
Classification: Uncertain significance. Last evaluated: 2022-10-01. Review status: criteria provided, single submitter. Criteria: CeGaT Center For Human Genetics Tuebingen Variant Classification Criteria Version 2. Collection method: clinical testing. Allele origin: germline. Affected: yes. Observed: 1 variant allele.
Comment: BPTF: PM2, BP4, BP5

NM_182641.4(BPTF):c.1865-5686A>G

Gene: BPTF (bromodomain PHD finger transcription factor; plus strand). Cytogenetic location: 17q24.2.
Variant type: single nucleotide variant.
Coding change: c.1865-5686A>G on transcript NM_182641.4 (MANE Select); 5686 bases into the intron before coding-DNA position 1865, A replaced by G.
Molecular consequence: intron variant. On other transcripts: missense variant (1).
Genome position (GRCh38, 1-based): chr17:67,886,158, A>G. VCF-style: chr17-67886158-A-G. GRCh37 (hg19) VCF-style: chr17-65882274-A-G.
Other names: c.2084A>G, p.Asn695Ser (NM_004459.7); short protein forms N695S.
Identifiers: ClinVar variation 1879382 (VCV001879382.29), dbSNP rs2510824190, ClinGen allele CA400716470.